The following is an entry in ClinVar:

ClinVar aggregate classification (germline): Uncertain significance. Review status: criteria provided, multiple submitters, no conflicts (2 of 4 stars). 2 submissions from 2 submitters: Uncertain significance (2). Last evaluated 2025-04-30.

Conditions:
Hereditary cancer-predisposing syndrome. Also called: Tumor predisposition; Hereditary Cancer Syndrome; Hereditary neoplastic syndrome; Neoplastic Syndromes, Hereditary. Identifiers: Orphanet 140162, MedGen C0027672, MeSH D009386, MONDO:0015356.
Peutz-Jeghers syndrome (PJS). Also called: POLYPOSIS, HAMARTOMATOUS INTESTINAL; POLYPS-AND-SPOTS SYNDROME; Peutz-Jeghers polyposis; Periorificial lentiginosis syndrome. Identifiers: Orphanet 2869, MedGen C0031269, MeSH D010580, MONDO:0008280, OMIM 175200.

Submissions (2):

Ambry Genetics
Classification: Uncertain significance for Hereditary cancer-predisposing syndrome. Last evaluated: 2025-04-30. Review status: criteria provided, single submitter. Criteria: Ambry Variant Classification Scheme 2023. Collection method: clinical testing. Allele origin: germline.
Comment: The p.V34I variant (also known as c.100G>A), located in coding exon 1 of the STK11 gene, results from a G to A substitution at nucleotide position 100. The valine at codon 34 is replaced by isoleucine, an amino acid with highly similar properties. This amino acid position is highly conserved in available vertebrate species. In addition, this alteration is predicted to be tolerated by in silico analysis. Based on the available evidence, the clinical significance of this variant remains unclear.

All of Us Research Program, National Institutes of Health
Classification: Uncertain significance for Peutz-Jeghers syndrome. Last evaluated: 2024-05-09. Review status: criteria provided, single submitter. Criteria: ACMG Guidelines, 2015. Collection method: clinical testing. Allele origin: germline. Inheritance: Autosomal dominant inheritance. Observed: 1 variant allele, 1 heterozygote.
Comment: This study involves interpretation of variants in research participants for the purpose of population health screening. Participant phenotype was not available at the time of variant classification. Additional details can be found in publication PMID: 35346344, PMCID: PMC8962531

NM_000455.5(STK11):c.100G>A (p.Val34Ile)

Gene: STK11 (serine/threonine kinase 11; plus strand). Cytogenetic location: 19p13.3.
Variant type: single nucleotide variant.
Coding change: c.100G>A on transcript NM_000455.5 (MANE Select); coding-DNA position 100, G replaced by A.
Protein change: p.Val34Ile; replaces valine 34 with isoleucine.
Molecular consequence: missense variant.
Genome position (GRCh38, 1-based): chr19:1,207,013, G>A. VCF-style: chr19-1207013-G-A. GRCh37 (hg19) VCF-style: chr19-1207012-G-A.
Other names: short protein forms V34I.
Identifiers: ClinVar variation 184909 (VCV000184909.7), dbSNP rs786201782, ClinGen allele CA022138.
Genomic context (GRCh38, chr19:1,207,013, plus strand): 5'-GAGGGCGAGCTGATGTCGGTGGGTATGGACACGTTCATCCACCGCATCGACTCCACCGAG[G>A]TCATCTACCAGCCGCGCCGCAAGCGGGCCAAGCTCATCGGCAAGTACCTGATGGGGGACC-3'
Protein context (NP_000446.1, residues 24-44): TFIHRIDSTE[Val34Ile]IYQPRRKRAK